The following is an entry in ClinVar:

ClinVar aggregate classification (germline): Likely benign. Review status: criteria provided, multiple submitters, no conflicts (2 of 4 stars). 2 submissions from 2 submitters: Likely benign (2). Last evaluated 2024-11-26.

Conditions:
XIRP2-related disorder. Also called: XIRP2-related condition.

Allele frequency attached by ClinVar (database versions not stated): gnomAD 0.00004 and 0.00007; gnomAD exomes 0.00007 and 0.00011; ExAC 0.00014; TOPMed 0.00014; 1000 Genomes Project 30x 0.00031; 1000 Genomes Project 0.00040.

Submissions (2):

PreventionGenetics, part of Exact Sciences
Classification: Likely benign for XIRP2-related condition. Last evaluated: 2024-11-26. Review status: criteria provided, single submitter. Criteria: ACMG Guidelines, 2015. Collection method: clinical testing. Allele origin: germline.
Comment: This variant is classified as likely benign based on ACMG/AMP sequence variant interpretation guidelines (Richards et al. 2015 PMID: 25741868, with internal and published modifications).

Labcorp Genetics (formerly Invitae), Labcorp
Classification: Likely benign. Last evaluated: 2018-08-21. Review status: criteria provided, single submitter. Criteria: Invitae Variant Classification Sherloc (09022015). Collection method: clinical testing. Allele origin: germline.

NM_152381.6(XIRP2):c.6845T>C (p.Val2282Ala)

Gene: XIRP2 (xin actin binding repeat containing 2; plus strand). Cytogenetic location: 2q24.3.
Variant type: single nucleotide variant.
Coding change: c.6845T>C on transcript NM_152381.6 (MANE Select); coding-DNA position 6845, T replaced by C.
Protein change: p.Val2282Ala; replaces valine 2282 with alanine.
Molecular consequence: missense variant. On other transcripts: intron variant (3).
Genome position (GRCh38, 1-based): chr2:167,248,237, T>C. VCF-style: chr2-167248237-T-C. GRCh37 (hg19) VCF-style: chr2-168104747-T-C.
Other names: c.6179T>C, p.Val2060Ala (NM_001199144.2); c.1276-5795T>C (NM_001199143.2); c.1177-5795T>C (NM_001079810.4); c.511-5795T>C (NM_001199145.2); c.6845T>C (NM_152381.5); short protein forms V2282A, V2060A.
Identifiers: ClinVar variation 761539 (VCV000761539.4), dbSNP rs139694462, ClinGen allele CA1947493.